The following is an entry in ClinVar:

ClinVar aggregate classification (germline): Conflicting classifications of pathogenicity. Review status: criteria provided, conflicting classifications (1 of 4 stars). 2 submissions from 2 submitters: Uncertain significance (1); Likely benign (1). Last evaluated 2025-11-25.

Conditions:
Ichthyosis linearis circumflexa. Identifiers: MedGen C0265962, MONDO:0043106, HP:0025810.

Allele frequency attached by ClinVar (database versions not stated): gnomAD below 0.00001 and 0.00002; TOPMed 0.00002; gnomAD exomes 0.00007 and 0.00016; ESP Exome Variant Server 0.00008; ExAC 0.00012.
gnomAD v4.1: 98 of 1,611,214 alleles (0.0061%); highest among the groups gnomAD compares: South Asian, 0.099%; 1 homozygote.

Submissions (2):

Labcorp Genetics (formerly Invitae), Labcorp
Classification: Likely benign for Ichthyosis linearis circumflexa. Last evaluated: 2025-11-25. Review status: criteria provided, single submitter. Criteria: Invitae Variant Classification Sherloc (09022015). Collection method: clinical testing. Allele origin: germline.

GeneDx
Classification: Uncertain significance. Last evaluated: 2017-08-11. Review status: criteria provided, single submitter. Criteria: GeneDx Variant Classification (06012015). Collection method: clinical testing. Allele origin: germline. Affected: yes.
Comment: The c.1480-10 C>A variant has not been published as a pathogenic variant, nor has it been reported as a benign variant to our knowledge. The variant is observed in 12/16510 (0.073%) alleles from individuals of South Asian background in the ExAC dataset (Lek et al., 2016). This variant occurs at a position that is not conserved. However, several in-silico splice prediction models predict that c.1480-10 C>A has a moderately damaging effect on the natural splice acceptor site of intron 16. In the absence of RNA/functional studies, the actual effect of this sequence change in this individual is unknown. Therefore, based on the currently available information, it is unclear whether this variant is a pathogenic variant or a rare benign variant.

NM_006846.4(SPINK5):c.1480-10C>A

Gene: SPINK5 (serine peptidase inhibitor Kazal type 5; plus strand). Cytogenetic location: 5q32.
Variant type: single nucleotide variant.
Coding change: c.1480-10C>A on transcript NM_006846.4 (MANE Select); 10 bases into the intron before coding-DNA position 1480, C replaced by A.
Molecular consequence: intron variant.
Genome position (GRCh38, 1-based): chr5:148,107,027, C>A. VCF-style: chr5-148107027-C-A. GRCh37 (hg19) VCF-style: chr5-147486590-C-A.
Other names: c.1480-10C>A (NM_001127698.2, NM_001127699.2).
Identifiers: ClinVar variation 450897 (VCV000450897.11), dbSNP rs375718943, ClinGen allele CA3495636.